The following is an entry in ClinVar:

ClinVar aggregate classification (germline): Uncertain significance (1 of 4 stars; one submission).

Conditions:
Hereditary cancer-predisposing syndrome. Also called: Tumor predisposition; Neoplastic Syndromes, Hereditary; Hereditary Cancer Syndrome; Hereditary neoplastic syndrome. Identifiers: Orphanet 140162, MedGen C0027672, MeSH D009386, MONDO:0015356.

Submission:

Ambry Genetics
Classification: Uncertain significance for Hereditary cancer-predisposing syndrome. Last evaluated: 2024-11-02. Review status: criteria provided, single submitter. Criteria: Ambry Variant Classification Scheme 2023. Collection method: clinical testing. Allele origin: germline.
Comment: The p.I158S variant (also known as c.473T>G), located in coding exon 3 of the FLCN gene, results from a T to G substitution at nucleotide position 473. The isoleucine at codon 158 is replaced by serine, an amino acid with dissimilar properties. This amino acid position is conserved. In addition, this alteration is predicted to be deleterious by in silico analysis. Based on the available evidence, the clinical significance of this variant remains unclear.

NM_144997.7(FLCN):c.473T>G (p.Ile158Ser)

Gene: FLCN (folliculin; minus strand). Cytogenetic location: 17p11.2.
Variant type: single nucleotide variant.
Coding change: c.473T>G on transcript NM_144997.7 (MANE Select); coding-DNA position 473, T replaced by G.
Protein change: p.Ile158Ser; replaces isoleucine 158 with serine.
Molecular consequence: missense variant.
Genome position (GRCh38, 1-based): chr17:17,224,067, A>C on the plus strand (T>G on the coding strand, the complement: FLCN is on the minus strand). VCF-style: chr17-17224067-A-C. GRCh37 (hg19) VCF-style: chr17-17127381-A-C.
Other names: c.527T>G, p.Ile176Ser (NM_001353229.2); c.473T>G, p.Ile158Ser (NM_001353230.2, NM_001353231.2, NM_144606.7); short protein forms I158S, I176S.
Identifiers: ClinVar variation 3515663 (VCV003515663.1).